The following is an entry in ClinVar:

NM_001844.5(COL2A1):c.619G>C (p.Gly207Arg)

Gene: COL2A1 (collagen type II alpha 1 chain; minus strand). Cytogenetic location: 12q13.11.
Variant type: single nucleotide variant.
Coding change: c.619G>C on transcript NM_001844.5 (MANE Select); coding-DNA position 619, G replaced by C.
Protein change: p.Gly207Arg; replaces glycine 207 with arginine.
Molecular consequence: missense variant.
Genome position (GRCh38, 1-based): chr12:47,995,910, C>G on the plus strand (G>C on the coding strand, the complement: COL2A1 is on the minus strand). VCF-style: chr12-47995910-C-G. GRCh37 (hg19) VCF-style: chr12-48389693-C-G.
Other names: c.412G>C, p.Gly138Arg (NM_033150.3); short protein forms G138R, G207R.
Identifiers: ClinVar variation 1402980 (VCV001402980.7), dbSNP rs869312907, ClinGen allele CA384523950.
Genomic context (GRCh38, chr12:47,995,910, plus strand): 5'-GGCAAAAAGAATTGCAGATACTTACAGGAGCACCTGCAGGGCCTGGAGGTCCTCGAGGTC[C>G]CATGGGGCCCTGCATCGGAACAGAAAATGAGGGGTTTACTACACATGCTTCCTCAGTGGC-3'
Protein context (NP_001835.3, residues 197-217): GVMQGPMGPM[Gly207Arg]PRGPPGPAGA

ClinVar aggregate classification (germline): Pathogenic. Review status: criteria provided, multiple submitters, no conflicts (2 of 4 stars). 2 submissions from 2 submitters: Pathogenic (2). Last evaluated 2025-06-09.

Conditions:
Spondyloepiphyseal dysplasia with metatarsal shortening. Also called: Pseudorheumatoid dysplasia progressive, with hypoplastic toes; CZECH DYSPLASIA, METATARSAL TYPE; SPONDYLOEPIPHYSEAL DYSPLASIA WITH PRECOCIOUS OSTEOARTHRITIS. Identifiers: Orphanet 137678, MedGen C1836683, MONDO:0012206, OMIM 609162.

Submissions (2):

Labcorp Genetics (formerly Invitae), Labcorp
Classification: Pathogenic. Last evaluated: 2025-06-09. Review status: criteria provided, single submitter. Criteria: Invitae Variant Classification Sherloc (09022015). Collection method: clinical testing. Allele origin: germline.
Comment: This sequence change replaces glycine, which is neutral and non-polar, with arginine, which is basic and polar, at codon 207 of the COL2A1 protein (p.Gly207Arg). This variant is not present in population databases (gnomAD no frequency). This missense change has been observed in individual(s) with COL2A1-related conditions (PMID: 26183434). In at least one individual the variant was observed to be de novo. ClinVar contains an entry for this variant (Variation ID: 1402980). Invitae Evidence Modeling of protein sequence and biophysical properties (such as structural, functional, and spatial information, amino acid conservation, physicochemical variation, residue mobility, and thermodynamic stability) indicates that this missense variant is expected to disrupt COL2A1 protein function with a positive predictive value of 95%. This variant disrupts the triple helix domain of COL2A1. Glycine residues within the Gly-Xaa-Yaa repeats of the triple helix domain are required for the structure and stability of fibrillar collagens (PMID: 7695699, 8218237, 19344236). In COL2A1, variants affecting these glycine residues are significantly enriched in individuals with disease (PMID: 9016532, 17078022) compared to the general population (ExAC). For these reasons, this variant has been classified as Pathogenic.

3billion
Classification: Pathogenic for Spondyloepiphyseal dysplasia with metatarsal shortening. Last evaluated: 2023-09-07. Review status: criteria provided, single submitter. Criteria: ACMG Guidelines, 2015. Collection method: clinical testing. Allele origin: germline. Affected: yes.
Comment: The variant is not observed in the gnomAD v2.1.1 dataset. Predicted Consequence/Location: Missense changes are a common disease-causing mechanism. In silico tool predictions suggest damaging effect of the variant on gene or gene product [REVEL: 0.98 (>=0.6, sensitivity 0.68 and specificity 0.92)]. Same nucleotide change resulting in same amino acid change has been previously reported as pathogenic/likely pathogenic with strong evidence (ClinVar ID: VCV001402980 /PMID: 26183434).The variant has been observed in multiple (>3) similarly affected unrelated individuals (PMID: 26183434). and reported as assumed (i.e. paternity and maternity not confirmed) de novo in at least one similarly affected unrelated individual (PMID: 26183434).Different missense changes at the same codon (p.Gly207Glu, p.Gly207Val) have been reported to be associated with COL2A1 related disorder (ClinVar ID: VCV001326883 /PMID: 26030151, 35052477). Therefore, this variant is classified as Pathogenic according to the recommendation of ACMG/AMP guideline.

Literature cited by the submitters: PubMed 26183434 (cited by Labcorp Genetics (formerly Invitae), Labcorp and 3billion); PubMed 7695699 (cited by Labcorp Genetics (formerly Invitae), Labcorp); PubMed 8218237 (cited by Labcorp Genetics (formerly Invitae), Labcorp); PubMed 19344236 (cited by Labcorp Genetics (formerly Invitae), Labcorp); PubMed 9016532 (cited by Labcorp Genetics (formerly Invitae), Labcorp); PubMed 17078022 (cited by Labcorp Genetics (formerly Invitae), Labcorp); PubMed 26030151 (cited by 3billion).